The following is an entry in ClinVar:

ClinVar aggregate classification (germline): Benign (1 of 4 stars; one submission).

Allele frequency attached by ClinVar (database versions not stated): gnomAD 0.32063.

Submission:

GeneDx
Classification: Benign. Last evaluated: 2018-06-19. Review status: criteria provided, single submitter. Criteria: GeneDx Variant Classification (06012015). Collection method: clinical testing. Allele origin: germline. Affected: yes.
Comment: This variant is considered likely benign or benign based on one or more of the following criteria: it is a conservative change, it occurs at a poorly conserved position in the protein, it is predicted to be benign by multiple in silico algorithms, and/or has population frequency not consistent with disease.

NM_001244008.2(KIF1A):c.430-209C>T

Gene: KIF1A (kinesin family member 1A; minus strand). Cytogenetic location: 2q37.3.
Variant type: single nucleotide variant.
Coding change: c.430-209C>T on transcript NM_001244008.2 (MANE Select); 209 bases into the intron before coding-DNA position 430, C replaced by T.
Molecular consequence: intron variant.
Genome position (GRCh38, 1-based): chr2:240,786,722, G>A on the plus strand (C>T on the coding strand, the complement: KIF1A is on the minus strand). VCF-style: chr2-240786722-G-A. GRCh37 (hg19) VCF-style: chr2-241726139-G-A.
Other names: c.430-209C>T (NM_001379653.1, NM_001379650.1, NM_001379645.1 and 20 more transcripts).
Identifiers: ClinVar variation 682829 (VCV000682829.1), dbSNP rs10186490, ClinGen allele CA68141441.